The following is an entry in ClinVar:

NM_001083962.2(TCF4):c.73-3T>C

Gene: TCF4 (transcription factor 4; minus strand). Cytogenetic location: 18q21.2.
Variant type: single nucleotide variant.
Coding change: c.73-3T>C on transcript NM_001083962.2 (MANE Select); 3 bases into the intron before coding-DNA position 73, T replaced by C.
Molecular consequence: intron variant.
Genome position (GRCh38, 1-based): chr18:55,585,355, A>G on the plus strand (T>C on the coding strand, the complement: TCF4 is on the minus strand). VCF-style: chr18-55585355-A-G. GRCh37 (hg19) VCF-style: chr18-53252586-A-G.
Other names: c.379-3T>C (NM_001243226.3); c.1-3T>C (NM_001369584.1, NM_001369576.1, NM_001369577.1 and 15 more transcripts); c.73-3T>C (NM_001369571.1, NM_001369567.1, NM_001243228.2 and 8 more transcripts); c.67-3T>C (NM_001243230.2).
Identifiers: ClinVar variation 139415 (VCV000139415.49), dbSNP rs148658897, ClinGen allele CA302932.
Genomic context (GRCh38, chr18:55,585,355, plus strand): 5'-GTCCACTTGCCAAAGAAGTTGGTCCATTTTTCCCACTGCTCACAGGAGGTGAAAACATCT[A>G]AAAGAAACAAAGAAATATTACAGTTGAAAAGAAGACACTTGTGCCTTCAGAGCTCCTCAA-3'

ClinVar aggregate classification (germline): Benign/Likely benign. Review status: criteria provided, multiple submitters, no conflicts (2 of 4 stars). 9 submissions from 9 submitters: Benign (6); Likely benign (3). Last evaluated 2026-03-01.

Conditions:
Inborn genetic diseases. Identifiers: MedGen C0950123, MeSH D030342.
Pitt-Hopkins syndrome (PTHS). Also called: ENCEPHALOPATHY, SEVERE EPILEPTIC, WITH AUTONOMIC DYSFUNCTION; MENTAL RETARDATION, SYNDROMAL, WITH INTERMITTENT HYPERVENTILATION. Identifiers: Orphanet 2896, MedGen C1970431, MONDO:0012589, OMIM 610954.

Allele frequency attached by ClinVar (database versions not stated): gnomAD exomes 0.00029 and 0.00061; ExAC 0.00074; ESP Exome Variant Server 0.00146; gnomAD 0.00173 and 0.00182; TOPMed 0.00192; 1000 Genomes Project 0.00379; 1000 Genomes Project 30x 0.00406.
gnomAD v4.1: 720 of 1,613,508 alleles (0.045%); highest among the groups gnomAD compares: African/African-American, 0.62%; 1 homozygote.

Submissions (9):

CeGaT Center for Human Genetics Tuebingen
Classification: Likely benign. Last evaluated: 2026-03-01. Review status: criteria provided, single submitter. Criteria: CeGaT Center For Human Genetics Tuebingen Variant Classification Criteria Version 2. Collection method: clinical testing. Allele origin: germline. Affected: yes. Observed: 8 variant alleles.
Comment: TCF4: BP4, BS1

Labcorp Genetics (formerly Invitae), Labcorp
Classification: Benign for Pitt-Hopkins syndrome. Last evaluated: 2026-01-17. Review status: criteria provided, single submitter. Criteria: Invitae Variant Classification Sherloc (09022015). Collection method: clinical testing. Allele origin: germline.

Genomic Medicine Center of Excellence, King Faisal Specialist Hospital and Research Centre
Classification: Likely benign. Last evaluated: 2025-08-18. Review status: criteria provided, single submitter. Criteria: ACMG Guidelines, 2015. Collection method: clinical testing. Allele origin: germline.

Blueprint Genetics
Classification: Likely benign. Last evaluated: 2024-11-13. Review status: criteria provided, single submitter. Criteria: ACMG Guidelines, 2015. Collection method: clinical testing. Allele origin: germline.

Illumina Laboratory Services, Illumina
Classification: Benign for Pitt-Hopkins syndrome. Last evaluated: 2018-01-13. Review status: criteria provided, single submitter. Criteria: ICSL Variant Classification Criteria 13 December 2019. Collection method: clinical testing. Allele origin: germline.
Comment: This variant was observed in the ICSL laboratory as part of a predisposition screen in an ostensibly healthy population. It had not been previously curated by ICSL or reported in the Human Gene Mutation Database (HGMD: prior to June 1st, 2018), and was therefore a candidate for classification through an automated scoring system. Utilizing variant allele frequency, disease prevalence and penetrance estimates, and inheritance mode, an automated score was calculated to assess if this variant is too frequent to cause the disease. Based on the score and internal cut-off values, a variant classified as benign is not then subjected to further curation. The score for this variant resulted in a classification of benign for this disease.

Ambry Genetics
Classification: Benign for Inborn genetic diseases. Last evaluated: 2016-06-18. Review status: criteria provided, single submitter. Criteria: Ambry Variant Classification Scheme 2023. Collection method: clinical testing. Allele origin: germline.

Eurofins Ntd Llc (ga)
Classification: Benign. Last evaluated: 2014-11-18. Review status: criteria provided, single submitter. Criteria: EGL Classification Definitions 2015. Collection method: clinical testing. Allele origin: germline. Observed: 2 variant alleles, 2 heterozygotes.

GeneDx
Classification: Benign. Last evaluated: 2014-02-07. Review status: criteria provided, single submitter. Criteria: GeneDx Variant Classification (06012015). Collection method: clinical testing. Allele origin: germline. Affected: yes.
Comment: This variant is considered likely benign or benign based on one or more of the following criteria: it is a conservative change, it occurs at a poorly conserved position in the protein, it is predicted to be benign by multiple in silico algorithms, and/or has population frequency not consistent with disease.

Breakthrough Genomics
Classification: Benign. Review status: criteria provided, single submitter. Criteria: ACMG Guidelines, 2015. Collection method: not provided. Allele origin: germline. Inheritance: Autosomal dominant inheritance. Affected: yes.